The following is an entry in ClinVar:

ClinVar aggregate classification (germline): Conflicting classifications of pathogenicity. Review status: criteria provided, conflicting classifications (1 of 4 stars). 5 submissions from 4 submitters: Uncertain significance (2); Likely benign (3). Last evaluated 2025-11-18.

Conditions:
Inborn genetic diseases. Identifiers: MedGen C0950123, MeSH D030342.
Amyotrophic lateral sclerosis type 1 (ALS1). Also called: AMYOTROPHIC LATERAL SCLEROSIS 1, FAMILIAL. Identifiers: Orphanet 803, MedGen C1862939, MONDO:0007103, OMIM 105400.
Perry syndrome. Also called: PARKINSONISM WITH ALVEOLAR HYPOVENTILATION AND MENTAL DEPRESSION. Identifiers: Orphanet 178509, MedGen C1868594, MONDO:0008201, OMIM 168605.
Neuronopathy, distal hereditary motor, type 7B. Also called: Distal Hereditary Motor Neuronopathy Type 7B (dHMN7B); NEURONOPATHY, DISTAL HEREDITARY MOTOR, AUTOSOMAL DOMINANT 14; NEURONOPATHY, DISTAL HEREDITARY MOTOR, HARDING TYPE VIIB; NEUROPATHY, DISTAL HEREDITARY MOTOR, HARDING TYPE VIIB; NEUROPATHY, DISTAL HEREDITARY MOTOR, WITH VOCAL CORD PARALYSIS, HARDING TYPE VIIB; HMN VIIB. Identifiers: Orphanet 139589, MedGen C1843315, MONDO:0011879, OMIM 607641.

Allele frequency attached by ClinVar (database versions not stated): ExAC 0.00002; TOPMed 0.00002; gnomAD 0.00003; gnomAD exomes 0.00003.
gnomAD v4.1: 43 of 1,614,058 alleles (0.0027%); highest among the groups gnomAD compares: Admixed American, 0.005%; no homozygotes.

Submissions (5):

Labcorp Genetics (formerly Invitae), Labcorp
Classification: Uncertain significance for Amyotrophic lateral sclerosis type 1; Neuronopathy, distal hereditary motor, type 7B; Perry syndrome. Last evaluated: 2025-11-18. Review status: criteria provided, single submitter. Criteria: Invitae Variant Classification Sherloc (09022015). Collection method: clinical testing. Allele origin: germline.
Comment: This sequence change replaces tyrosine, which is neutral and polar, with cysteine, which is neutral and slightly polar, at codon 878 of the DCTN1 protein (p.Tyr878Cys). This variant is present in population databases (rs778201974, gnomAD 0.006%). This missense change has been observed in individual(s) with amyotrophic lateral sclerosis (ALS) (PMID: 23143281, 32028661). ClinVar contains an entry for this variant (Variation ID: 568956). Invitae Evidence Modeling of protein sequence and biophysical properties (such as structural, functional, and spatial information, amino acid conservation, physicochemical variation, residue mobility, and thermodynamic stability) has been performed for this missense variant. However, the output from this modeling did not meet the statistical confidence thresholds required to predict the impact of this variant on DCTN1 protein function. Experimental studies have shown that this missense change does not substantially affect DCTN1 function (PMID: 23143281). In summary, the available evidence is currently insufficient to determine the role of this variant in disease. Therefore, it has been classified as a Variant of Uncertain Significance.

Women's Health and Genetics/Laboratory Corporation of America, LabCorp
Classification: Likely benign. Last evaluated: 2025-01-06. Review status: criteria provided, single submitter. Criteria: LabCorp Variant Classification Summary - May 2015. Collection method: clinical testing. Allele origin: germline.
Comment: Variant summary: DCTN1 c.2633A>G (p.Tyr878Cys) results in a non-conservative amino acid change in the encoded protein sequence. Five of five in-silico tools predict a damaging effect of the variant on protein function. The variant allele was found at a frequency of 2.7e-05 in 1614058 control chromosomes. The observed variant frequency is approximately 26-fold of the estimated maximal expected allele frequency for a pathogenic variant in DCTN1 causing Neuronopathy, distal hereditary motor, type 7B phenotype (1e-06). c.2633A>G has been reported in the literature in cohorts of individuals affected with Amyotrophic lateral sclerosis, without strong evidence for causality (e.g. Stockmann_2013, Pensato_2020, Grassano_2022). These reports do not provide unequivocal conclusions about association of the variant with disease. At least one publication reports experimental evidence evaluating an impact on protein function and found the variant did not result in substantial changes to cellular morphology in vitro (Stockmann_2013). The following publications have been ascertained in the context of this evaluation (PMID: 35896380, 23143281, 32028661). ClinVar contains an entry for this variant (Variation ID: 568956). Based on the evidence outlined above, the variant was classified as likely benign.

Ambry Genetics
Classification: Uncertain significance for Inborn genetic diseases. Last evaluated: 2022-05-28. Review status: criteria provided, single submitter. Criteria: Ambry Variant Classification Scheme 2023. Collection method: clinical testing. Allele origin: germline.
Comment: The p.Y878C variant (also known as c.2633A>G), located in coding exon 23 of the DCTN1 gene, results from an A to G substitution at nucleotide position 2633. The tyrosine at codon 878 is replaced by cysteine, an amino acid with highly dissimilar properties. This amino acid position is highly conserved in available vertebrate species. In addition, this alteration is predicted to be deleterious by in silico analysis. Since supporting evidence is limited at this time, the clinical significance of this alteration remains unclear.

Illumina Laboratory Services, Illumina
Classification: Likely benign for Perry syndrome. Last evaluated: 2018-01-13. Review status: criteria provided, single submitter. Criteria: ICSL Variant Classification Criteria 13 December 2019. Collection method: clinical testing. Allele origin: germline.
Comment: This variant was observed in the ICSL laboratory as part of a predisposition screen in an ostensibly healthy population. It had not been previously curated by ICSL or reported in the Human Gene Mutation Database (HGMD: prior to June 1st, 2018), and was therefore a candidate for classification through an automated scoring system. Utilizing variant allele frequency, disease prevalence and penetrance estimates, and inheritance mode, an automated score was calculated to assess if this variant is too frequent to cause the disease. Based on the score and internal cut-off values, a variant classified as likely benign is not then subjected to further curation. The score for this variant resulted in a classification of likely benign for this disease.

Illumina Laboratory Services, Illumina
Classification: Likely benign for Neuronopathy, distal hereditary motor, type 7B. Last evaluated: 2018-01-13. Review status: criteria provided, single submitter. Criteria: ICSL Variant Classification Criteria 13 December 2019. Collection method: clinical testing. Allele origin: germline.
Comment: the same text as in the submission from Illumina Laboratory Services, Illumina above.

Literature cited by the submitters: PubMed 23143281 (cited by Labcorp Genetics (formerly Invitae), Labcorp and Women's Health and Genetics/Laboratory Corporation of America, LabCorp); PubMed 32028661 (cited by Labcorp Genetics (formerly Invitae), Labcorp and Women's Health and Genetics/Laboratory Corporation of America, LabCorp); PubMed 35896380 (cited by Women's Health and Genetics/Laboratory Corporation of America, LabCorp).

NM_004082.5(DCTN1):c.2633A>G (p.Tyr878Cys)

Gene: DCTN1 (dynactin subunit 1; minus strand). Cytogenetic location: 2p13.1.
Variant type: single nucleotide variant.
Coding change: c.2633A>G on transcript NM_004082.5 (MANE Select); coding-DNA position 2633, A replaced by G.
Protein change: p.Tyr878Cys; replaces tyrosine 878 with cysteine.
Molecular consequence: missense variant. On other transcripts: non-coding transcript variant (1).
Genome position (GRCh38, 1-based): chr2:74,366,371, T>C on the plus strand (A>G on the coding strand, the complement: DCTN1 is on the minus strand). VCF-style: chr2-74366371-T-C. GRCh37 (hg19) VCF-style: chr2-74593498-T-C.
Other names: c.2573A>G, p.Tyr858Cys (NM_001135040.3); c.2231A>G, p.Tyr744Cys (NM_001135041.3, NM_023019.4); c.2522A>G, p.Tyr841Cys (NM_001190836.2); c.2612A>G, p.Tyr871Cys (NM_001190837.2); c.2582A>G, p.Tyr861Cys (NM_001378991.1); c.2564A>G, p.Tyr855Cys (NM_001378992.1); short protein forms Y878C, Y841C, Y744C, Y871C, Y858C, Y855C, Y861C.
Identifiers: ClinVar variation 568956 (VCV000568956.16), dbSNP rs778201974, ClinGen allele CA1721780.